The following is an entry in ClinVar:

ClinVar aggregate classification (germline): Likely pathogenic (1 of 4 stars; one submission).

Conditions:
Complex cortical dysplasia with other brain malformations 7. Identifiers: Orphanet 300573, MedGen C3552236, MONDO:0012399, OMIM 610031.

Submission:

Bruce Lefroy Centre, Murdoch Childrens Research Institute
Classification: Likely pathogenic for Complex cortical dysplasia with other brain malformations 7. Last evaluated: 2020-01-01. Review status: criteria provided, single submitter. Criteria: ACMG Guidelines, 2015. Collection method: research. Allele origin: de novo. Inheritance: Autosomal dominant inheritance. Affected: yes.
Comment: PM2, PM6, PP2, PP3

NM_178012.5(TUBB2B):c.602G>T (p.Cys201Phe)

Gene: TUBB2B (tubulin beta 2B class IIb; minus strand). Cytogenetic location: 6p25.2.
Variant type: single nucleotide variant.
Coding change: c.602G>T on transcript NM_178012.5 (MANE Select); coding-DNA position 602, G replaced by T.
Protein change: p.Cys201Phe; replaces cysteine 201 with phenylalanine.
Molecular consequence: missense variant.
Genome position (GRCh38, 1-based): chr6:3,225,487, C>A on the plus strand (G>T on the coding strand, the complement: TUBB2B is on the minus strand). VCF-style: chr6-3225487-C-A. GRCh37 (hg19) VCF-style: chr6-3225721-C-A.
Other names: short protein forms C201F.
Identifiers: ClinVar variation 864868 (VCV000864868.2), dbSNP rs201922441, ClinGen allele CA362587762.